The following is an entry in ClinVar:

ClinVar aggregate classification (germline): Conflicting classifications of pathogenicity. Review status: criteria provided, conflicting classifications (1 of 4 stars). 7 submissions from 6 submitters: Uncertain significance (1); Benign (5); Likely benign (1). Last evaluated 2026-02-01.

Conditions:
Autoinflammatory syndrome. Identifiers: Orphanet 93665, MedGen C3890737, MONDO:0019751.
Familial hemophagocytic lymphohistiocytosis 2 (FHL2). Also called: PRF1-Related Familial Hemophagocytic Lymphohistiocytosis (PRF1-fHLH). Identifiers: Orphanet 540, MedGen C1863727, MONDO:0011337, OMIM 603553.
Lymphoma, non-Hodgkin, familial. Identifiers: MedGen C4721532, MONDO:0011508, OMIM 605027.

Allele frequency attached by ClinVar (database versions not stated): gnomAD 0.00006 and 0.00060; TOPMed 0.00013; gnomAD exomes 0.00107 and 0.00213; ExAC 0.00239; 1000 Genomes Project 30x 0.00281; 1000 Genomes Project 0.00300.
gnomAD v4.1: 1,663 of 1,614,008 alleles (0.1%); highest among the groups gnomAD compares: South Asian, 1.6%; 20 homozygotes.

Submissions (7):

Labcorp Genetics (formerly Invitae), Labcorp
Classification: Benign for Familial hemophagocytic lymphohistiocytosis 2. Last evaluated: 2026-02-01. Review status: criteria provided, single submitter. Criteria: Invitae Variant Classification Sherloc (09022015). Collection method: clinical testing. Allele origin: germline.

KCCC/NGS Laboratory, Kuwait Cancer Control Center
Classification: Benign for Familial hemophagocytic lymphohistiocytosis 2. Last evaluated: 2025-02-01. Review status: criteria provided, single submitter. Criteria: ACMG Guidelines, 2015. Collection method: clinical testing. Allele origin: germline. Affected: no.

KCCC/NGS Laboratory, Kuwait Cancer Control Center
Classification: Benign for Lymphoma, non-Hodgkin, familial. Last evaluated: 2023-07-07. Review status: criteria provided, single submitter. Criteria: ACMG Guidelines, 2015. Collection method: clinical testing. Allele origin: germline. Affected: yes.

CeGaT Center for Human Genetics Tuebingen
Classification: Benign. Last evaluated: 2023-07-01. Review status: criteria provided, single submitter. Criteria: CeGaT Center For Human Genetics Tuebingen Variant Classification Criteria Version 2. Collection method: clinical testing. Allele origin: germline. Affected: yes. Observed: 1 variant allele.
Comment: PRF1: BP4, BS1, BS2

Mendelics
Classification: Likely benign for Familial hemophagocytic lymphohistiocytosis 2. Last evaluated: 2019-05-28. Review status: criteria provided, single submitter. Criteria: Mendelics Assertion Criteria 2017. Collection method: clinical testing. Allele origin: unknown.

Genome Diagnostics Laboratory, The Hospital for Sick Children
Classification: Uncertain significance for Autoinflammatory syndrome. Last evaluated: 2016-12-12. Review status: criteria provided, single submitter. Criteria: ACMG Guidelines, 2015. Collection method: clinical testing. Allele origin: germline. Affected: yes.

Broad Center for Mendelian Genomics, Broad Institute of MIT and Harvard
Classification: Benign for Familial hemophagocytic lymphohistiocytosis 2. Review status: criteria provided, single submitter. Criteria: ACMG Guidelines, 2015. Collection method: research. Allele origin: germline. Inheritance: Autosomal recessive inheritance. Affected: yes.
Comment: The heterozygous p.Ala211Val variant in PRF1 has been identified in 2 Chinese individuals with familial haemophagocytic lymphohistiocytosis and in 1 individual with large cell anaplastic lymphoma (PMID: 21674762, 24309606), and has been identified in >1% of South Asian chromosomes and 7 homozygotes by ExAC. In summary, this variant meets criteria to be classified as benign for autosomal recessive familial haemophagocytic lymphohistiocytosis.

Literature cited by the submitters: PubMed 21674762 (cited by Broad Center for Mendelian Genomics, Broad Institute of MIT and Harvard); PubMed 24309606 (cited by Broad Center for Mendelian Genomics, Broad Institute of MIT and Harvard).

NM_001083116.3(PRF1):c.632C>T (p.Ala211Val)

Gene: PRF1 (perforin 1; minus strand). Cytogenetic location: 10q22.1.
Variant type: single nucleotide variant.
Coding change: c.632C>T on transcript NM_001083116.3 (MANE Select); coding-DNA position 632, C replaced by T.
Protein change: p.Ala211Val; replaces alanine 211 with valine.
Molecular consequence: missense variant.
Genome position (GRCh38, 1-based): chr10:70,599,089, G>A on the plus strand (C>T on the coding strand, the complement: PRF1 is on the minus strand). VCF-style: chr10-70599089-G-A. GRCh37 (hg19) VCF-style: chr10-72358845-G-A.
Other names: c.632C>T, p.Ala211Val (NM_005041.6); c.632C>T (NM_005041.4); short protein forms A211V.
Identifiers: ClinVar variation 468308 (VCV000468308.42), dbSNP rs368524364, ClinGen allele CA5538956.
Genomic context (GRCh38, chr10:70,599,089, plus strand): 5'-CCACCCAGCTCCACAGCCCGGATGAAGTGGGTGCCGTAGTTGGAGATAAGCCTGAGGTAG[G>A]CGGGCTGGGTGGAGGCGTTGAAGTGGTGGGGCAGGTCCCCGAGGGCCCTCTTGAAGTCAG-3'
Protein context (NP_001076585.1, residues 201-221): PHHFNASTQP[Ala211Val]YLRLISNYGT